The following is an entry in ClinVar:

ClinVar aggregate classification (germline): Pathogenic (1 of 4 stars; one submission).

Conditions:
Sessile serrated polyposis cancer syndrome (SSPCS). Identifiers: Orphanet 157798, MedGen C4310714, MONDO:0014919, OMIM 617108.

Submission:

Myriad Genetics, Inc.
Classification: Pathogenic for Sessile serrated polyposis cancer syndrome. Last evaluated: 2026-01-30. Review status: criteria provided, single submitter. Criteria: Myriad Autosomal Dominant, Autosomal Recessive and X-Linked Classification Criteria (2023). Collection method: clinical testing. Allele origin: unknown.
Comment: This variant is considered pathogenic. This variant creates a frameshift predicted to result in premature protein truncation.

NM_017763.6(RNF43):c.1131_1134del (p.Ser378fs)

Gene: RNF43 (ring finger protein 43; minus strand). Cytogenetic location: 17q22.
Variant type: Deletion.
Coding change: c.1131_1134del on transcript NM_017763.6 (MANE Select); coding-DNA positions 1131 to 1134, 4 bases deleted (ATCC; older notation c.1131_1134delATCC).
Protein change: p.Ser378fs; shifts the reading frame from serine 378.
Molecular consequence: frameshift variant.
Genome position (GRCh38, 1-based): chr17:58,358,642-58,358,645, GGAT deleted on the plus strand (ATCC on the coding strand, the reverse complement: RNF43 is on the minus strand); deleting any 4 consecutive bases within chr17:58,358,642-58,358,647 gives the same sequence; the c. name uses the placement nearest the transcript's 3' end. VCF-style (leftmost placement, unchanged base first): chr17-58358641-GGGAT-G. GRCh37 (hg19) VCF-style: chr17-56436002-GGGAT-G.
Other names: c.1131_1134del, p.Ser378fs (NM_001305544.3, NM_001438820.1, NM_001438821.1 and 1 more transcripts); c.750_753del, p.Ser251fs (NM_001305545.2, NM_001437987.1); short protein forms S251fs, S378fs.
Identifiers: ClinVar variation 4856730 (VCV004856730.1).